The following is an entry in ClinVar:

ClinVar aggregate classification (germline): Likely pathogenic. Review status: criteria provided, multiple submitters, no conflicts (2 of 4 stars). 3 submissions from 3 submitters: Likely pathogenic (3). Last evaluated 2025-09-29.

Conditions:
ABCA4-related disorder. Also called: ABCA4-related disorders; ABCA4-related condition. Identifiers: MedGen CN239167.
Stargardt disease (FFM). Also called: Fundus flavimaculatus; Stargardt's disease. Identifiers: Orphanet 827, MedGen C0271093, MONDO:0019353.

Allele frequency attached by ClinVar (database versions not stated): gnomAD 0.00001.
gnomAD v4.1: 10 of 1,614,114 alleles (0.00062%); highest among the groups gnomAD compares: Non-Finnish European, 0.00085%; no homozygotes.

Submissions (3):

Women's Health and Genetics/Laboratory Corporation of America, LabCorp
Classification: Likely pathogenic for Stargardt disease. Last evaluated: 2025-09-29. Review status: criteria provided, single submitter. Criteria: LabCorp Variant Classification Summary - May 2015. Collection method: clinical testing. Allele origin: germline.
Comment: Variant summary: ABCA4 c.191C>T (p.Ala64Val) results in a non-conservative amino acid change in the encoded protein sequence. Algorithms developed to predict the effect of missense changes on protein structure and function all suggest that this variant is likely to be disruptive. The variant was absent in 251430 control chromosomes. c.191C>T has been observed in individual(s) affected with Stargardt Disease (Gemenetzi_2013, Stone_2017, Lin_2024). These data indicate that the variant may be associated with disease. To our knowledge, no experimental evidence demonstrating an impact on protein function has been reported. The following publications have been ascertained in the context of this evaluation (PMID: 23949494, 28559085, 38309476, 38219857). ClinVar contains an entry for this variant (Variation ID: 2733951). Based on the evidence outlined above, the variant was classified as likely pathogenic.

Labcorp Genetics (formerly Invitae), Labcorp
Classification: Likely pathogenic. Last evaluated: 2025-05-05. Review status: criteria provided, single submitter. Criteria: Invitae Variant Classification Sherloc (09022015). Collection method: clinical testing. Allele origin: germline.
Comment: This sequence change replaces alanine, which is neutral and non-polar, with valine, which is neutral and non-polar, at codon 64 of the ABCA4 protein (p.Ala64Val). This variant is present in population databases (no rsID available, gnomAD 0.007%). This missense change has been observed in individual(s) with inherited retinal disease and/or Stargardt disease (PMID: 23949494, 28559085, 38219857). ClinVar contains an entry for this variant (Variation ID: 2733951). Invitae Evidence Modeling of protein sequence and biophysical properties (such as structural, functional, and spatial information, amino acid conservation, physicochemical variation, residue mobility, and thermodynamic stability) indicates that this missense variant is expected to disrupt ABCA4 protein function with a positive predictive value of 95%. In summary, the currently available evidence indicates that the variant is pathogenic, but additional data are needed to prove that conclusively. Therefore, this variant has been classified as Likely Pathogenic.

Blueprint Genetics
Classification: Likely pathogenic for ABCA4-related disorders. Last evaluated: 2023-02-22. Review status: criteria provided, single submitter. Criteria: ACMG Guidelines, 2015. Collection method: clinical testing. Allele origin: germline. Affected: yes. Observed: 4 variant alleles.

Literature cited by the submitters: PubMed 28559085 (cited by Women's Health and Genetics/Laboratory Corporation of America, LabCorp and Labcorp Genetics (formerly Invitae), Labcorp); PubMed 38219857 (cited by Women's Health and Genetics/Laboratory Corporation of America, LabCorp and Labcorp Genetics (formerly Invitae), Labcorp); PubMed 38309476 (cited by Women's Health and Genetics/Laboratory Corporation of America, LabCorp); PubMed 23949494 (cited by Women's Health and Genetics/Laboratory Corporation of America, LabCorp and Labcorp Genetics (formerly Invitae), Labcorp).

NM_000350.3(ABCA4):c.191C>T (p.Ala64Val)

Gene: ABCA4 (ATP binding cassette subfamily A member 4; minus strand). Cytogenetic location: 1p22.1.
Variant type: single nucleotide variant.
Coding change: c.191C>T on transcript NM_000350.3 (MANE Select); coding-DNA position 191, C replaced by T.
Protein change: p.Ala64Val; replaces alanine 64 with valine.
Molecular consequence: missense variant.
Genome position (GRCh38, 1-based): chr1:94,111,549, G>A on the plus strand (C>T on the coding strand, the complement: ABCA4 is on the minus strand). VCF-style: chr1-94111549-G-A. GRCh37 (hg19) VCF-style: chr1-94577105-G-A.
Other names: c.191C>T, p.Ala64Val (NM_001425324.1); short protein forms A64V.
Identifiers: ClinVar variation 2733951 (VCV002733951.8), dbSNP rs1388219872, ClinGen allele CA341285580.